The following is an entry in ClinVar:

ClinVar aggregate classification (germline): Uncertain significance (1 of 4 stars; one submission).

gnomAD v4.1: 1 of 1,614,182 alleles (0.000062%); no homozygotes.

Submission:

Labcorp Genetics (formerly Invitae), Labcorp
Classification: Uncertain significance. Last evaluated: 2024-04-02. Review status: criteria provided, single submitter. Criteria: Invitae Variant Classification Sherloc (09022015). Collection method: clinical testing. Allele origin: germline.
Comment: This sequence change replaces lysine, which is basic and polar, with isoleucine, which is neutral and non-polar, at codon 200 of the SAMD9L protein (p.Lys200Ile). This variant is not present in population databases (gnomAD no frequency). This variant has not been reported in the literature in individuals affected with SAMD9L-related conditions. An algorithm developed to predict the effect of missense changes on protein structure and function (PolyPhen-2) suggests that this variant is likely to be disruptive. In summary, the available evidence is currently insufficient to determine the role of this variant in disease. Therefore, it has been classified as a Variant of Uncertain Significance.

NM_152703.5(SAMD9L):c.599A>T (p.Lys200Ile)

Gene: SAMD9L (sterile alpha motif domain containing 9 like; minus strand). Cytogenetic location: 7q21.2.
Variant type: single nucleotide variant.
Coding change: c.599A>T on transcript NM_152703.5 (MANE Select); coding-DNA position 599, A replaced by T.
Protein change: p.Lys200Ile; replaces lysine 200 with isoleucine.
Molecular consequence: missense variant.
Genome position (GRCh38, 1-based): chr7:93,135,373, T>A on the plus strand (A>T on the coding strand, the complement: SAMD9L is on the minus strand). VCF-style: chr7-93135373-T-A. GRCh37 (hg19) VCF-style: chr7-92764686-T-A.
Other names: c.599A>T, p.Lys200Ile (NM_001303496.3, NM_001303497.3, NM_001303498.3 and 5 more transcripts); short protein forms K200I.
Identifiers: ClinVar variation 3647255 (VCV003647255.2).
Genomic context (GRCh38, chr7:93,135,373, plus strand): 5'-TCATTGCTGAATTTCATCTTAATGTCCACTTCCGTGGCTGTTTCTGTGTTTGTGAGAGCT[T>A]TGAACTCATGTATTGGATCAATGAGATTGAGTGCTCCTGTTTCAGGTTGTAGAGTATAAT-3'
Protein context (NP_689916.2, residues 190-210): LNLIDPIHEF[Lys200Ile]ALTNTETATE